The following is an entry in ClinVar:

ClinVar aggregate classification (germline): Uncertain significance (1 of 4 stars; one submission).

Allele frequency attached by ClinVar (database versions not stated): TOPMed below 0.00001; ExAC 0.00001; gnomAD 0.00001; gnomAD exomes 0.00001.
gnomAD v4.1: 10 of 1,612,688 alleles (0.00062%); highest among the groups gnomAD compares: Middle Eastern, 0.033%; no homozygotes.

Submission:

Labcorp Genetics (formerly Invitae), Labcorp
Classification: Uncertain significance. Last evaluated: 2022-07-19. Review status: criteria provided, single submitter. Criteria: Invitae Variant Classification Sherloc (09022015). Collection method: clinical testing. Allele origin: germline.
Comment: This sequence change replaces histidine, which is basic and polar, with tyrosine, which is neutral and polar, at codon 409 of the MAP3K20 protein (p.His409Tyr). This variant is present in population databases (rs750367021, gnomAD 0.009%). This variant has not been reported in the literature in individuals affected with MAP3K20-related conditions. ClinVar contains an entry for this variant (Variation ID: 1346699). Experimental studies and prediction algorithms are not available or were not evaluated, and the functional significance of this variant is currently unknown. In summary, the available evidence is currently insufficient to determine the role of this variant in disease. Therefore, it has been classified as a Variant of Uncertain Significance.

NM_016653.3(MAP3K20):c.1225C>T (p.His409Tyr)

Genes: MAP3K20 (mitogen-activated protein kinase kinase kinase 20; plus strand), MAP3K20-AS1 (MAP3K20 antisense RNA 1; minus strand). Cytogenetic location: 2q31.1.
Variant type: single nucleotide variant.
Coding change: c.1225C>T on transcript NM_016653.3 (MANE Select); coding-DNA position 1225, C replaced by T.
Protein change: p.His409Tyr; replaces histidine 409 with tyrosine.
Molecular consequence: missense variant.
Genome position (GRCh38, 1-based): chr2:173,238,394, C>T. VCF-style: chr2-173238394-C-T. GRCh37 (hg19) VCF-style: chr2-174103122-C-T.
Other names: short protein forms H409Y.
Identifiers: ClinVar variation 1346699 (VCV001346699.3), dbSNP rs750367021, ClinGen allele CA1970771.
Genomic context (GRCh38, chr2:173,238,394, plus strand): 5'-TACTGGATCATTAATAAAGTCATATGATTTTTTTTACAGTCAGCCATTGAGAAATTAACC[C>T]ATGATTACATAAATTTGTTTCACTTCCCACCACTAATTAAGGTAAGTAAGGTTTTTCTTA-3'
Protein context (NP_057737.2, residues 399-419): HFKSAIEKLT[His409Tyr]DYINLFHFPP